The following is an entry in ClinVar:

ClinVar aggregate classification (germline): Uncertain significance (1 of 4 stars; one submission).

Allele frequency attached by ClinVar (database versions not stated): gnomAD exomes below 0.00001; gnomAD 0.00001; TOPMed 0.00002.

Submission:

Labcorp Genetics (formerly Invitae), Labcorp
Classification: Uncertain significance. Last evaluated: 2022-04-01. Review status: criteria provided, single submitter. Criteria: Invitae Variant Classification Sherloc (09022015). Collection method: clinical testing. Allele origin: germline.
Comment: This sequence change replaces tyrosine, which is neutral and polar, with cysteine, which is neutral and slightly polar, at codon 119 of the THBD protein (p.Tyr119Cys). The frequency data for this variant in the population databases is considered unreliable, as metrics indicate poor data quality at this position in the gnomAD database. This variant has not been reported in the literature in individuals affected with THBD-related conditions. Algorithms developed to predict the effect of missense changes on protein structure and function are either unavailable or do not agree on the potential impact of this missense change (SIFT: "Tolerated"; PolyPhen-2: "Probably Damaging"; Align-GVGD: "Class C0"). In summary, the available evidence is currently insufficient to determine the role of this variant in disease. Therefore, it has been classified as a Variant of Uncertain Significance.

NM_000361.3(THBD):c.356A>G (p.Tyr119Cys)

Gene: THBD (thrombomodulin; minus strand). Cytogenetic location: 20p11.21.
Variant type: single nucleotide variant.
Coding change: c.356A>G on transcript NM_000361.3 (MANE Select); coding-DNA position 356, A replaced by G.
Protein change: p.Tyr119Cys; replaces tyrosine 119 with cysteine.
Molecular consequence: missense variant.
Genome position (GRCh38, 1-based): chr20:23,049,149, T>C on the plus strand (A>G on the coding strand, the complement: THBD is on the minus strand). VCF-style: chr20-23049149-T-C. GRCh37 (hg19) VCF-style: chr20-23029786-T-C.
Other names: short protein forms Y119C.
Identifiers: ClinVar variation 2087878 (VCV002087878.4), dbSNP rs1482156473, ClinGen allele CA408407859.